The following is an entry in ClinVar:

NM_145725.3(TRAF3):c.460A>G (p.Lys154Glu)

Gene: TRAF3 (TNF receptor associated factor 3; plus strand). Cytogenetic location: 14q32.32.
Variant type: single nucleotide variant.
Coding change: c.460A>G on transcript NM_145725.3 (MANE Select); coding-DNA position 460, A replaced by G.
Protein change: p.Lys154Glu; replaces lysine 154 with glutamic acid.
Molecular consequence: missense variant.
Genome position (GRCh38, 1-based): chr14:102,876,415, A>G. VCF-style: chr14-102876415-A-G. GRCh37 (hg19) VCF-style: chr14-103342752-A-G.
Other names: c.460A>G, p.Lys154Glu (NM_001199427.2, NM_001385142.1, NM_001385143.1 and 2 more transcripts); short protein forms K154E.
Identifiers: ClinVar variation 3673934 (VCV003673934.2).

ClinVar aggregate classification (germline): Uncertain significance (1 of 4 stars; one submission).

Conditions:
Immunodeficiency 132A. Also called: Herpes simplex encephalitis, susceptibility to, 3. Identifiers: Orphanet 1930, MedGen C3553868, MONDO:0013920, OMIM 614849.

gnomAD v4.1: 2 of 1,614,240 alleles (0.00012%); highest among the groups gnomAD compares: Non-Finnish European, 0.00017%; no homozygotes.

Submission:

Labcorp Genetics (formerly Invitae), Labcorp
Classification: Uncertain significance for Immunodeficiency 132A. Last evaluated: 2024-02-02. Review status: criteria provided, single submitter. Criteria: Invitae Variant Classification Sherloc (09022015). Collection method: clinical testing. Allele origin: germline.
Comment: This sequence change replaces lysine, which is basic and polar, with glutamic acid, which is acidic and polar, at codon 154 of the TRAF3 protein (p.Lys154Glu). This variant is present in population databases (no rsID available, gnomAD 0.0009%). This variant has not been reported in the literature in individuals affected with TRAF3-related conditions. An algorithm developed to predict the effect of missense changes on protein structure and function (PolyPhen-2) suggests that this variant is likely to be tolerated. In summary, the available evidence is currently insufficient to determine the role of this variant in disease. Therefore, it has been classified as a Variant of Uncertain Significance.